The following is an entry in ClinVar:

ClinVar aggregate classification (germline): Pathogenic. Review status: criteria provided, multiple submitters, no conflicts (2 of 4 stars). 2 submissions from 2 submitters: Pathogenic (2). Last evaluated 2025-11-11.

Conditions:
Autosomal dominant hypocalcemia 1 (HYPOC1). Also called: HYPOCALCEMIA, FAMILIAL. Identifiers: MedGen C3715128, MONDO:0011013, OMIM 601198.
Familial hypocalciuric hypercalcemia (FHH). Also called: Familial benign hypercalcemia. Identifiers: Orphanet 405, MedGen C1809471, MONDO:0018458.
Neonatal severe primary hyperparathyroidism. Identifiers: Orphanet 417, MedGen C1832615, MONDO:0009397, OMIM 239200.

Submissions (2):

Labcorp Genetics (formerly Invitae), Labcorp
Classification: Pathogenic for Familial hypocalciuric hypercalcemia; Autosomal dominant hypocalcemia 1. Last evaluated: 2025-11-11. Review status: criteria provided, single submitter. Criteria: Invitae Variant Classification Sherloc (09022015). Collection method: clinical testing. Allele origin: germline.
Comment: This sequence change creates a premature translational stop signal (p.Gln164*) in the CASR gene. It is expected to result in an absent or disrupted protein product. Loss-of-function variants in CASR are known to be pathogenic (PMID: 11807402, 14985373, 22422767). This variant is not present in population databases (gnomAD no frequency). This premature translational stop signal has been observed in individual(s) with neonatal severe primary hyperparathyroidism (PMID: 15241688). Algorithms developed to predict the effect of sequence changes on RNA splicing suggest that this variant may disrupt the consensus splice site. For these reasons, this variant has been classified as Pathogenic.

Women's Health and Genetics/Laboratory Corporation of America, LabCorp
Classification: Pathogenic for Neonatal severe primary hyperparathyroidism. Last evaluated: 2025-10-22. Review status: criteria provided, single submitter. Criteria: LabCorp Variant Classification Summary - May 2015. Collection method: clinical testing. Allele origin: germline.
Comment: Variant summary: CASR c.490C>T (p.Gln164X) results in a premature termination codon, predicted to cause a truncation of the encoded protein or absence of the protein due to nonsense mediated decay, which are commonly known mechanisms for disease. The variant was absent in 250446 control chromosomes. c.490C>T has been observed in multiple homozygous individuals affected with Neonatal Severe Hyperparathyroidism (Waller_2004). These data indicate that the variant is very likely to be associated with disease. To our knowledge, no experimental evidence demonstrating an impact on protein function has been reported. The following publication has been ascertained in the context of this evaluation (PMID: 15241688). No submitters have cited clinical-significance assessments for this variant to ClinVar. Based on the evidence outlined above, the variant was classified as pathogenic for dominant Familial Hypocalciuric Hypercalcemia and recessive Neonatal Severe Hyperparathyroidism.

Literature cited by the submitters: PubMed 11807402 (cited by Labcorp Genetics (formerly Invitae), Labcorp); PubMed 14985373 (cited by Labcorp Genetics (formerly Invitae), Labcorp); PubMed 22422767 (cited by Labcorp Genetics (formerly Invitae), Labcorp); PubMed 15241688 (cited by Labcorp Genetics (formerly Invitae), Labcorp and Women's Health and Genetics/Laboratory Corporation of America, LabCorp).

NM_000388.4(CASR):c.490C>T (p.Gln164Ter)

Gene: CASR (calcium sensing receptor; plus strand). Cytogenetic location: 3q21.1.
Variant type: single nucleotide variant.
Coding change: c.490C>T on transcript NM_000388.4 (MANE Select); coding-DNA position 490, C replaced by T.
Protein change: p.Gln164Ter; replaces glutamine 164 with a stop codon.
Molecular consequence: nonsense.
Genome position (GRCh38, 1-based): chr3:122,257,385, C>T. VCF-style: chr3-122257385-C-T. GRCh37 (hg19) VCF-style: chr3-121976232-C-T.
Other names: c.490C>T, p.Gln164Ter (NM_001178065.2); short protein forms Q164*.
Identifiers: ClinVar variation 4687113 (VCV004687113.2).